The following is an entry in ClinVar:

NM_052945.4(TNFRSF13C):c.107G>A (p.Gly36Glu)

Genes: TNFRSF13C (TNF receptor superfamily member 13C; minus strand), LOC130067574 (ATAC-STARR-seq lymphoblastoid silent region 13813; plus strand). Cytogenetic location: 22q13.2.
Variant type: single nucleotide variant.
Coding change: c.107G>A on transcript NM_052945.4 (MANE Select); coding-DNA position 107, G replaced by A.
Protein change: p.Gly36Glu; replaces glycine 36 with glutamic acid.
Molecular consequence: missense variant.
Genome position (GRCh38, 1-based): chr22:41,926,667, C>T on the plus strand (G>A on the coding strand, the complement: TNFRSF13C is on the minus strand). VCF-style: chr22-41926667-C-T. GRCh37 (hg19) VCF-style: chr22-42322671-C-T.
Other names: short protein forms G36E.
Identifiers: ClinVar variation 4782086 (VCV004782086.1).

ClinVar aggregate classification (germline): Uncertain significance (1 of 4 stars; one submission).

Conditions:
Immunodeficiency, common variable, 4. Also called: ANTIBODY DEFICIENCY DUE TO BAFFR DEFECT. Identifiers: Orphanet 1572, Orphanet 696925, MedGen C3150739, MONDO:0013284, OMIM 613494.

gnomAD v4.1: 2 of 1,463,564 alleles (0.00014%); highest among the groups gnomAD compares: Non-Finnish European, 0.00018%; no homozygotes.

Submission:

Labcorp Genetics (formerly Invitae), Labcorp
Classification: Uncertain significance for Immunodeficiency, common variable, 4. Last evaluated: 2025-07-27. Review status: criteria provided, single submitter. Criteria: Invitae Variant Classification Sherloc (09022015). Collection method: clinical testing. Allele origin: germline.
Comment: This sequence change replaces glycine, which is neutral and non-polar, with glutamic acid, which is acidic and polar, at codon 36 of the TNFRSF13C protein (p.Gly36Glu). This variant is not present in population databases (gnomAD no frequency). This variant has not been reported in the literature in individuals affected with TNFRSF13C-related conditions. An algorithm developed to predict the effect of missense changes on protein structure and function outputs the following: PolyPhen-2: "Benign". The glutamic acid amino acid residue is found in multiple mammalian species, which suggests that this missense change does not adversely affect protein function. In summary, the available evidence is currently insufficient to determine the role of this variant in disease. Therefore, it has been classified as a Variant of Uncertain Significance.